The following is an entry in ClinVar:

NM_004415.4(DSP):c.8325C>G (p.Thr2775=)

Gene: DSP (desmoplakin; plus strand). Cytogenetic location: 6p24.3.
Variant type: single nucleotide variant.
Coding change: c.8325C>G on transcript NM_004415.4 (MANE Select); coding-DNA position 8325, C replaced by G.
Protein change: p.Thr2775=; no amino-acid change (threonine 2775 retained).
Molecular consequence: synonymous variant.
Genome position (GRCh38, 1-based): chr6:7,585,587, C>G. VCF-style: chr6-7585587-C-G. GRCh37 (hg19) VCF-style: chr6-7585820-C-G.
Other names: c.6528C>G, p.Thr2176= (NM_001008844.3); c.6996C>G, p.Thr2332= (NM_001319034.2).
Identifiers: ClinVar variation 1573943 (VCV001573943.12), dbSNP rs2113704869, ClinGen allele CA448716919.

ClinVar aggregate classification (germline): Likely benign. Review status: criteria provided, multiple submitters, no conflicts (2 of 4 stars). 2 submissions from 2 submitters: Likely benign (2). Last evaluated 2026-03-01.

Conditions:
Arrhythmogenic cardiomyopathy with wooly hair and keratoderma. Also called: Dilated cardiomyopathy with woolly hair and keratoderma; Arrhythmogenic cardiomyopathy with woolly hair and keratoderma; PALMOPLANTAR KERATODERMA WITH LEFT VENTRICULAR CARDIOMYOPATHY AND WOOLLY HAIR; Carvajal syndrome. Identifiers: Orphanet 65282, MedGen C1854063, MONDO:0011581, OMIM 605676.
Arrhythmogenic right ventricular dysplasia 8 (ARVD8). Also called: ARRHYTHMOGENIC RIGHT VENTRICULAR DYSPLASIA, FAMILIAL, 8; ARRHYTHMOGENIC RIGHT VENTRICULAR CARDIOMYOPATHY 8; Arrhythmogenic Right Ventricular Dysplasia/Cardiomyopathy 8. Identifiers: MedGen C1843896, MONDO:0011831, OMIM 607450.

Submissions (2):

CeGaT Center for Human Genetics Tuebingen
Classification: Likely benign. Last evaluated: 2026-03-01. Review status: criteria provided, single submitter. Criteria: CeGaT Center For Human Genetics Tuebingen Variant Classification Criteria Version 2. Collection method: clinical testing. Allele origin: germline. Affected: yes. Observed: 1 variant allele.
Comment: DSP: PM2:Supporting, BP4, BP7

Labcorp Genetics (formerly Invitae), Labcorp
Classification: Likely benign for Arrhythmogenic cardiomyopathy with wooly hair and keratoderma; Arrhythmogenic right ventricular dysplasia 8. Last evaluated: 2021-07-26. Review status: criteria provided, single submitter. Criteria: Invitae Variant Classification Sherloc (09022015). Collection method: clinical testing. Allele origin: germline.